The following is an entry in ClinVar:

NM_021942.6(TRAPPC11):c.2388A>C (p.Gly796=)

Genes: TRAPPC11 (trafficking protein particle complex subunit 11; plus strand), LOC126807238 (BRD4-independent group 4 enhancer GRCh37_chr4:184614366-184615565; plus strand). Cytogenetic location: 4q35.1.
Variant type: single nucleotide variant.
Coding change: c.2388A>C on transcript NM_021942.6 (MANE Select); coding-DNA position 2388, A replaced by C.
Protein change: p.Gly796=; no amino-acid change (glycine 796 retained).
Molecular consequence: synonymous variant.
Genome position (GRCh38, 1-based): chr4:183,693,918, A>C. VCF-style: chr4-183693918-A-C. GRCh37 (hg19) VCF-style: chr4-184615071-A-C.
Other names: c.2388A>C, p.Gly796= (NM_199053.3).
Identifiers: ClinVar variation 261447 (VCV000261447.61), dbSNP rs151021715, ClinGen allele CA3152182.

ClinVar aggregate classification (germline): Conflicting classifications of pathogenicity. Review status: criteria provided, conflicting classifications (1 of 4 stars). 6 submissions from 6 submitters: Uncertain significance (1); Benign (1); Likely benign (4). Last evaluated 2026-10-16.

Conditions:
Autosomal recessive limb-girdle muscular dystrophy type R18 (LGMDR18). Also called: Limb-girdle muscular dystrophy, type 2S; MUSCULAR DYSTROPHY, LIMB-GIRDLE, AUTOSOMAL RECESSIVE 18; Autosomal recessive limb-girdle muscular dystrophy type 2S. Identifiers: Orphanet 369840, MedGen C4517996, MONDO:0014144, OMIM 615356.

Allele frequency attached by ClinVar (database versions not stated): 1000 Genomes Project 0.00040; 1000 Genomes Project 30x 0.00062; gnomAD 0.00089; TOPMed 0.00129; ESP Exome Variant Server 0.00215.
gnomAD v4.1: 2,919 of 1,613,410 alleles (0.18%); highest among the groups gnomAD compares: Non-Finnish European, 0.22%; 3 homozygotes.

Submissions (6):

GeneDx
Classification: Uncertain significance. Last evaluated: 2026-10-16. Review status: criteria provided, single submitter. Criteria: GeneDx Variant Classification Process June 2021. Collection method: clinical testing. Allele origin: germline.
Comment: Has not been previously published as pathogenic or benign to our knowledge; In silico analysis is inconclusive as to whether the variant alters gene splicing. In the absence of RNA/functional studies, the actual effect of this sequence change is unknown.

CeGaT Center for Human Genetics Tuebingen
Classification: Likely benign. Last evaluated: 2026-08-01. Review status: criteria provided, single submitter. Criteria: CeGaT Center For Human Genetics Tuebingen Variant Classification Criteria Version 2. Collection method: clinical testing. Allele origin: germline. Affected: yes. Observed: 10 variant alleles.
Comment: TRAPPC11: BP4, BP7

Labcorp Genetics (formerly Invitae), Labcorp
Classification: Benign for Autosomal recessive limb-girdle muscular dystrophy type R18. Last evaluated: 2026-01-27. Review status: criteria provided, single submitter. Criteria: Invitae Variant Classification Sherloc (09022015). Collection method: clinical testing. Allele origin: germline.

Blueprint Genetics
Classification: Likely benign. Last evaluated: 2024-11-22. Review status: criteria provided, single submitter. Criteria: ACMG Guidelines, 2015. Collection method: clinical testing. Allele origin: germline.

Institute of Human Genetics, Clinical Exome/Genome Diagnostics Group, University Hospital Bonn
Classification: Likely benign for Autosomal recessive limb-girdle muscular dystrophy type R18. Last evaluated: 2023-07-13. Review status: criteria provided, single submitter. Criteria: ACMG Guidelines, 2015. Collection method: clinical testing. Allele origin: germline. Affected: yes.

PreventionGenetics, part of Exact Sciences
Classification: Likely benign. Review status: criteria provided, single submitter. Criteria: ACMG Guidelines, 2015. Collection method: clinical testing. Allele origin: germline.